The following is an entry in ClinVar:

NM_006206.6(PDGFRA):c.3253G>A (p.Glu1085Lys)

Gene: PDGFRA (platelet derived growth factor receptor alpha; plus strand). Cytogenetic location: 4q12.
Variant type: single nucleotide variant.
Coding change: c.3253G>A on transcript NM_006206.6 (MANE Select); coding-DNA position 3253, G replaced by A.
Protein change: p.Glu1085Lys; replaces glutamic acid 1085 with lysine.
Molecular consequence: missense variant.
Genome position (GRCh38, 1-based): chr4:54,295,255, G>A. VCF-style: chr4-54295255-G-A. GRCh37 (hg19) VCF-style: chr4-55161422-G-A.
Other names: c.3328G>A, p.Glu1110Lys (NM_001347828.2); c.3253G>A, p.Glu1085Lys (NM_001347829.2); c.3292G>A, p.Glu1098Lys (NM_001347830.2); short protein forms E1085K, E1098K, E1110K.
Identifiers: ClinVar variation 1466940 (VCV001466940.8), dbSNP rs2110359078, ClinGen allele CA356896726.

ClinVar aggregate classification (germline): Uncertain significance (1 of 4 stars; one submission).

Conditions:
Gastrointestinal stromal tumor. Also called: Gastrointestinal stroma tumor; Gastrointestinal stromal tumor, somatic. Identifiers: Orphanet 44890, MedGen C0238198, MeSH D046152, MONDO:0011719, OMIM 606764, HP:0100723.

Submission:

Labcorp Genetics (formerly Invitae), Labcorp
Classification: Uncertain significance for Gastrointestinal stromal tumor. Last evaluated: 2021-06-09. Review status: criteria provided, single submitter. Criteria: Invitae Variant Classification Sherloc (09022015). Collection method: clinical testing. Allele origin: germline.
Comment: This variant is not present in population databases (ExAC no frequency). In summary, the available evidence is currently insufficient to determine the role of this variant in disease. Therefore, it has been classified as a Variant of Uncertain Significance. Algorithms developed to predict the effect of missense changes on protein structure and function are either unavailable or do not agree on the potential impact of this missense change (SIFT: "Tolerated"; PolyPhen-2: "Probably Damaging"; Align-GVGD: "Class C0"). This variant has not been reported in the literature in individuals with PDGFRA-related conditions. This sequence change replaces glutamic acid with lysine at codon 1085 of the PDGFRA protein (p.Glu1085Lys). The glutamic acid residue is highly conserved and there is a small physicochemical difference between glutamic acid and lysine.